The following is an entry in ClinVar:

NM_174936.4(PCSK9):c.718G>A (p.Gly240Ser)

Gene: PCSK9 (proprotein convertase subtilisin/kexin type 9; plus strand). Cytogenetic location: 1p32.3.
Variant type: single nucleotide variant.
Coding change: c.718G>A on transcript NM_174936.4 (MANE Select); coding-DNA position 718, G replaced by A.
Protein change: p.Gly240Ser; replaces glycine 240 with serine.
Molecular consequence: missense variant.
Genome position (GRCh38, 1-based): chr1:55,052,710, G>A. VCF-style: chr1-55052710-G-A. GRCh37 (hg19) VCF-style: chr1-55518383-G-A.
Other names: c.841G>A, p.Gly281Ser (NM_001407240.1); c.718G>A, p.Gly240Ser (NM_001407241.1, NM_001407244.1, NM_001407247.1); c.721G>A, p.Gly241Ser (NM_001407242.1); c.661G>A, p.Gly221Ser (NM_001407243.1); c.526G>A, p.Gly176Ser (NM_001407245.1); c.343G>A, p.Gly115Ser (NM_001407246.1); short protein forms G240S, G281S, G176S, G241S, G115S, G221S.
Identifiers: ClinVar variation 630149 (VCV000630149.9), dbSNP rs751048732, ClinGen allele CA044123.

ClinVar aggregate classification (germline): Uncertain significance. Review status: criteria provided, multiple submitters, no conflicts (2 of 4 stars). 4 submissions from 4 submitters: Uncertain significance (4). Last evaluated 2024-03-06.

Conditions:
Cardiovascular phenotype. Identifiers: MedGen CN230736.
Familial hypercholesterolemia. Also called: Familial hypercholesterolemias; Familial hypercholesterolaemia. Identifiers: MedGen C0020445, MONDO:0005439.
Hypercholesterolemia, autosomal dominant, 3 (FHCL3). Also called: Familial Hypercholesterolemia, Autosomal Dominant, 3; PCSK9-Related Familial Hypercholesterolemia, Autosomal Dominant; Familial hypercholesterolemia 3. Identifiers: MedGen C1863551, MONDO:0011369, OMIM 603776.

Allele frequency attached by ClinVar (database versions not stated): ExAC 0.00001; gnomAD 0.00001; gnomAD exomes 0.00001 and 0.00002; TOPMed 0.00001.
gnomAD v4.1: 18 of 1,613,060 alleles (0.0011%); highest among the groups gnomAD compares: Middle Eastern, 0.016%; no homozygotes.

Submissions (4):

Color Diagnostics, LLC DBA Color Health
Classification: Uncertain significance for Familial hypercholesterolemia. Last evaluated: 2024-03-06. Review status: criteria provided, single submitter. Criteria: ACMG Guidelines, 2015. Collection method: clinical testing. Allele origin: germline.
Comment: This missense variant replaces glycine with serine at codon 240 of the PCSK9 protein. Computational prediction suggests that this variant may have deleterious impact on protein structure and function (internally defined REVEL score threshold >= 0.7, PMID: 27666373). To our knowledge, functional studies have not been reported for this variant. This variant has not been reported in individuals affected with PCSK9-related disorders in the literature. This variant has been identified in 5/249182 chromosomes in the general population by the Genome Aggregation Database (gnomAD). The available evidence is insufficient to determine the role of this variant in disease conclusively. Therefore, this variant is classified as a Variant of Uncertain Significance.

All of Us Research Program, National Institutes of Health
Classification: Uncertain significance for Hypercholesterolemia, autosomal dominant, 3. Last evaluated: 2023-12-01. Review status: criteria provided, single submitter. Criteria: ACMG Guidelines, 2015. Collection method: clinical testing. Allele origin: germline. Inheritance: Autosomal dominant inheritance. Observed: 2 variant alleles, 2 heterozygotes.
Comment: Variant of Uncertain Significance due to insufficient evidence: This missense variant is located in the catalytic peptidase domain of the PCSK9 protein. Computational prediction tools and conservation analyses suggest that this variant may have deleterious impact on the protein function. Computational splicing tools suggest that this variant may not impact the RNA splicing. To our knowledge, functional assays have not been performed for this variant nor has the variant been reported in individuals affected with FH in the literature. This variant is rare in the general population and has been identified in 5/244598 chromosomes by the Genome Aggregation Database (gnomAD). Available evidence is insufficient to determine the pathogenicity of this variant conclusively.

This study involves interpretation of variants in research participants for the purpose of population health screening. Participant phenotype was not available at the time of variant classification. Additional details can be found in publication PMID: 35346344, PMCID: PMC8962531

Ambry Genetics
Classification: Uncertain significance for Cardiovascular phenotype. Last evaluated: 2023-07-01. Review status: criteria provided, single submitter. Criteria: Ambry Variant Classification Scheme 2023. Collection method: clinical testing. Allele origin: germline.
Comment: The p.G240S variant (also known as c.718G>A), located in coding exon 5 of the PCSK9 gene, results from a G to A substitution at nucleotide position 718. The glycine at codon 240 is replaced by serine, an amino acid with similar properties. This amino acid position is conserved. In addition, this alteration is predicted to be deleterious by in silico analysis. Since supporting evidence is limited at this time, the clinical significance of this alteration remains unclear.

AiLife Diagnostics
Classification: Uncertain significance. Last evaluated: 2022-02-28. Review status: criteria provided, single submitter. Criteria: ACMG Guidelines, 2015. Collection method: clinical testing. Allele origin: germline. Affected: yes. Observed: 1 variant allele.